The following is an entry in ClinVar:

NM_001145073.3(USP27X):c.416CTC[1] (p.Pro140del)

Gene: USP27X (ubiquitin specific peptidase 27 X-linked; plus strand). Cytogenetic location: Xp11.23.
Variant type: Microsatellite.
Coding change: c.416CTC[1] on transcript NM_001145073.3 (MANE Select); one copy of the 3-base unit CTC starting at c.416; the reference has two copies in a row; one copy, 3 bases deleted; also written c.419_421del.
Protein change: p.Pro140del; deletes proline 140.
Molecular consequence: inframe deletion.
Genome position (GRCh38, 1-based): chrX:49,880,726-49,880,728, CTC deleted; deleting any 3 consecutive bases within chrX:49,880,723-49,880,728 gives the same sequence; the position shown is the placement nearest the transcript's 3' end. VCF-style (leftmost placement, unchanged base first): chrX-49880722-TCTC-T. GRCh37 (hg19) VCF-style: chrX-49645325-TCTC-T.
Other names: c.419_421del (NM_001145073.3); short protein forms P140del.
Identifiers: ClinVar variation 4531326 (VCV004531326.1).
Genomic context (GRCh38, chrX:49,880,722, plus strand): 5'-GAGTTGTGTCTGGTCTGTGAGATGTCGTCGCTGTTTCGGGAGTTGTATTCTGGAAACCCG[TCTC>T]CTCATGTGCCCTATAAGTTACTGCACCTGGTGTGGATACATGCCCGCCATTTAGCAGGGT-3'

ClinVar aggregate classification (germline): Uncertain significance (1 of 4 stars; one submission).

Conditions:
Intellectual developmental disorder, X-linked 105. Also called: Intellectual disability, X-linked 105. Identifiers: MedGen C4310816, MONDO:0010510, OMIM 300984.

Submission:

Victorian Clinical Genetics Services, Murdoch Childrens Research Institute
Classification: Uncertain significance for Intellectual developmental disorder, X-linked 105. Last evaluated: 2025-03-25. Review status: criteria provided, single submitter. Criteria: ACMG Guidelines, 2015. Collection method: clinical testing. Allele origin: germline. Affected: yes.
Comment: This variant is classified as VUS-3B. Evidence in support of pathogenic classification: In-frame insertion/deletion in a non-repetitive region that has high conservation; Variant is absent from gnomAD (v2, v3 and v4). Additional information: This variant is hemizygous; This gene is associated with X-linked recessive disease; This variant has no previous evidence of pathogenicity; No published segregation evidence has been identified for this variant; No published functional evidence has been identified for this variant; No comparable in-frame deletion variants have previous evidence for pathogenicity; Variant is located in the annotated UCH domain (DECIPHER); Loss of function is a known mechanism of disease in this gene and is associated with intellectual developmental disorder, X-linked 105 (MIM#300984); Variants in this gene are known to have variable expressivity (PMID: 38182161).

Literature cited by the submitters: PubMed 38182161.